The following is an entry in ClinVar:

ClinVar aggregate classification (germline): Conflicting classifications of pathogenicity. Review status: criteria provided, conflicting classifications (1 of 4 stars). 3 submissions from 3 submitters: Uncertain significance (2); Likely benign (1). Last evaluated 2026-04-14.

Conditions:
Cardiovascular phenotype. Identifiers: MedGen CN230736.
Osteogenesis imperfecta type I (OI1). Also called: Classic Non-deforming Osteogenesis Imperfecta with Blue Sclerae; OI, TYPE I; OSTEOGENESIS IMPERFECTA TARDA; OSTEOGENESIS IMPERFECTA WITH BLUE SCLERAE; Osteogenesis imperfecta type 1; Lobstein's Disease. Identifiers: Orphanet 216796, Orphanet 666, MedGen C0023931, MONDO:0008146, OMIM 166200. Disease mechanism: loss of function.

Allele frequency attached by ClinVar (database versions not stated): gnomAD 0.00001; gnomAD exomes 0.00001; TOPMed 0.00001; ExAC 0.00002.
gnomAD v4.1: 15 of 1,614,038 alleles (0.00093%); highest among the groups gnomAD compares: Non-Finnish European, 0.0012%; no homozygotes.

Submissions (3):

Women's Health and Genetics/Laboratory Corporation of America, LabCorp
Classification: Uncertain significance. Last evaluated: 2026-04-14. Review status: criteria provided, single submitter. Criteria: LabCorp Variant Classification Summary - May 2015. Collection method: clinical testing. Allele origin: germline.
Comment: Variant summary: COL1A1 c.1546C>T (p.Pro516Ser) results in a non-conservative amino acid change in the encoded protein sequence. Algorithms developed to predict the effect of missense changes on protein structure and function all suggest that this variant is likely to be disruptive. The variant allele was found at a frequency of 1.2e-05 in 251320 control chromosomes. The available data on variant occurrences in the general population are insufficient to allow any conclusion about variant significance. To our knowledge, no occurrence of c.1546C>T in individuals affected with COL1A1-related conditions and no experimental evidence demonstrating its impact on protein function have been reported. ClinVar contains an entry for this variant (Variation ID: 2848202). Based on the evidence outlined above, the variant was classified as uncertain significance.

Ambry Genetics
Classification: Uncertain significance for Cardiovascular phenotype. Last evaluated: 2025-12-11. Review status: criteria provided, single submitter. Criteria: Ambry Variant Classification Scheme 2023. Collection method: clinical testing. Allele origin: germline.
Comment: The p.P516S variant (also known as c.1546C>T), located in coding exon 23 of the COL1A1 gene, results from a C to T substitution at nucleotide position 1546. The proline at codon 516 is replaced by serine, an amino acid with similar properties. This amino acid position is conserved. In addition, the in silico prediction for this alteration is inconclusive. Based on the available evidence, the clinical significance of this variant remains unclear.

Labcorp Genetics (formerly Invitae), Labcorp
Classification: Likely benign for Osteogenesis imperfecta type I. Last evaluated: 2023-05-11. Review status: criteria provided, single submitter. Criteria: Invitae Variant Classification Sherloc (09022015). Collection method: clinical testing. Allele origin: germline.

NM_000088.4(COL1A1):c.1546C>T (p.Pro516Ser)

Gene: COL1A1 (collagen type I alpha 1 chain; minus strand). Cytogenetic location: 17q21.33.
Variant type: single nucleotide variant.
Coding change: c.1546C>T on transcript NM_000088.4 (MANE Select); coding-DNA position 1546, C replaced by T.
Protein change: p.Pro516Ser; replaces proline 516 with serine.
Molecular consequence: missense variant.
Genome position (GRCh38, 1-based): chr17:50,194,417, G>A on the plus strand (C>T on the coding strand, the complement: COL1A1 is on the minus strand). VCF-style: chr17-50194417-G-A. GRCh37 (hg19) VCF-style: chr17-48271778-G-A.
Other names: short protein forms P516S.
Identifiers: ClinVar variation 2848202 (VCV002848202.6), dbSNP rs750695521, ClinGen allele CA8645197.